The following is an entry in ClinVar:

ClinVar aggregate classification (germline): Uncertain significance (1 of 4 stars; one submission).

gnomAD v4.1: 1 of 1,613,794 alleles (0.000062%); highest among the groups gnomAD compares: Non-Finnish European, 0.000085%; no homozygotes.

Submission:

GeneDx
Classification: Uncertain significance. Last evaluated: 2026-03-24. Review status: criteria provided, single submitter. Criteria: GeneDx Variant Classification Process June 2021. Collection method: clinical testing. Allele origin: germline.
Comment: Not observed at significant frequency in large population cohorts (gnomAD); In silico analysis supports that this missense variant has a deleterious effect on protein structure/function; Has not been previously published as pathogenic or benign to our knowledge; This variant is associated with the following publications: (PMID: 29547736)

NM_006015.6(ARID1A):c.1360T>C (p.Tyr454His)

Gene: ARID1A (AT-rich interaction domain 1A; plus strand). Cytogenetic location: 1p36.11.
Variant type: single nucleotide variant.
Coding change: c.1360T>C on transcript NM_006015.6 (MANE Select); coding-DNA position 1360, T replaced by C.
Protein change: p.Tyr454His; replaces tyrosine 454 with histidine.
Molecular consequence: missense variant.
Genome position (GRCh38, 1-based): chr1:26,731,161, T>C. VCF-style: chr1-26731161-T-C. GRCh37 (hg19) VCF-style: chr1-27057652-T-C.
Other names: c.1360T>C, p.Tyr454His (NM_139135.4); short protein forms Y454H.
Identifiers: ClinVar variation 5016898 (VCV005016898.1).
Genomic context (GRCh38, chr1:26,731,161, plus strand): 5'-TTTCCTCATGCAGGAGAGTCAGTGCTAAAAGTATATTTTCCTTTCCTACAGATTCCTCCT[T>C]ATGGACAACAAGGCCCCAGCGGGTATGGTCAACAGGGCCAGACTCCATATTACAACCAGC-3'
Protein context (NP_006006.3, residues 444-464): GLSYTQQIPP[Tyr454His]GQQGPSGYGQ